The following is an entry in ClinVar:

NM_006440.5(TXNRD2):c.462C>G (p.Tyr154Ter)

Gene: TXNRD2 (thioredoxin reductase 2; minus strand). Cytogenetic location: 22q11.21.
Variant type: single nucleotide variant.
Coding change: c.462C>G on transcript NM_006440.5 (MANE Select); coding-DNA position 462, C replaced by G.
Protein change: p.Tyr154Ter; replaces tyrosine 154 with a stop codon.
Molecular consequence: nonsense. On other transcripts: non-coding transcript variant (1).
Genome position (GRCh38, 1-based): chr22:19,915,831, G>C on the plus strand (C>G on the coding strand, the complement: TXNRD2 is on the minus strand). VCF-style: chr22-19915831-G-C. GRCh37 (hg19) VCF-style: chr22-19903354-G-C.
Other names: c.462C>G, p.Tyr154Ter (NM_001282512.3); c.459C>G, p.Tyr153Ter (NM_001352300.2); c.372C>G, p.Tyr124Ter (NM_001352301.2); c.174C>G, p.Tyr58Ter (NM_001352302.2); c.366C>G, p.Tyr122Ter (NM_001352303.2); short protein forms Y122*, Y153*, Y58*, Y154*, Y124*.
Identifiers: ClinVar variation 1512463 (VCV001512463.6), dbSNP rs182857388, ClinGen allele CA410692737.

ClinVar aggregate classification (germline): Uncertain significance (1 of 4 stars; one submission).

Conditions:
Primary dilated cardiomyopathy (DCM). Also called: Dilated Cardiomyopathy. Identifiers: Orphanet 217604, MedGen C0007193, MeSH D002311, MONDO:0005021, HP:0001644. Inheritance: Various modes of inheritance.

gnomAD v4.1: 1 of 1,614,014 alleles (0.000062%); highest among the groups gnomAD compares: Non-Finnish European, 0.000085%; no homozygotes.

Submission:

Labcorp Genetics (formerly Invitae), Labcorp
Classification: Uncertain significance for Primary dilated cardiomyopathy. Last evaluated: 2021-02-22. Review status: criteria provided, single submitter. Criteria: Invitae Variant Classification Sherloc (09022015). Collection method: clinical testing. Allele origin: germline.
Comment: This sequence change creates a premature translational stop signal (p.Tyr154*) in the TXNRD2 gene. It is expected to result in an absent or disrupted protein product. However, the current clinical and genetic evidence is not sufficient to establish whether loss-of-function variants in TXNRD2 cause disease. This variant is not present in population databases (ExAC no frequency). This variant has not been reported in the literature in individuals with TXNRD2-related conditions. In summary, the available evidence is currently insufficient to determine the role of this variant in disease. Therefore, it has been classified as a Variant of Uncertain Significance.